The following is an entry in ClinVar:

ClinVar aggregate classification (germline): Uncertain significance (1 of 4 stars; one submission).

Submission:

GeneDx
Classification: Uncertain significance. Last evaluated: 2025-09-18. Review status: criteria provided, single submitter. Criteria: GeneDx Variant Classification Process June 2021. Collection method: clinical testing. Allele origin: germline.
Comment: Not observed at significant frequency in large population cohorts (gnomAD); In silico analysis suggests that this missense variant does not alter protein structure/function; Has not been previously published as pathogenic or benign to our knowledge

NM_006160.4(NEUROD2):c.149G>T (p.Gly50Val)

Gene: NEUROD2 (neuronal differentiation 2; minus strand). Cytogenetic location: 17q12.
Variant type: single nucleotide variant.
Coding change: c.149G>T on transcript NM_006160.4 (MANE Select); coding-DNA position 149, G replaced by T.
Protein change: p.Gly50Val; replaces glycine 50 with valine.
Molecular consequence: missense variant.
Genome position (GRCh38, 1-based): chr17:39,606,451, C>A on the plus strand (G>T on the coding strand, the complement: NEUROD2 is on the minus strand). VCF-style: chr17-39606451-C-A. GRCh37 (hg19) VCF-style: chr17-37762704-C-A.
Other names: short protein forms G50V.
Identifiers: ClinVar variation 3906325 (VCV003906325.2).
Genomic context (GRCh38, chr17:39,606,451, plus strand): 5'-AACGTGGCCTCCGTCCCCTCTTCTCCACGGAGAGGGACTGGCTTGGCCGCCCGGGCTGGC[C>A]CCGGAGCCCCTGGCCCGGGCGCAGGCGGTGGCGGTGGCGGCGCGTCGCCCTTGTCGCTCC-3'
Protein context (NP_006151.3, residues 40-60): PPPAPGPGAP[Gly50Val]PARAAKPVPL